The following is an entry in ClinVar:

ClinVar aggregate classification (germline): Uncertain significance (1 of 4 stars; one submission).

Conditions:
Pontocerebellar hypoplasia, type 1C. Also called: HYPOMYELINATION WITH SPINAL MUSCULAR ATROPHY AND CEREBELLAR HYPOPLASIA. Identifiers: Orphanet 2254, MedGen C4015160, MONDO:0014485, OMIM 616081.

Submission:

Neuberg Centre For Genomic Medicine, NCGM
Classification: Uncertain significance for Pontocerebellar hypoplasia, type 1C. Review status: criteria provided, single submitter. Criteria: ACMG Guidelines, 2015. Collection method: clinical testing. Allele origin: germline. Inheritance: Autosomal recessive inheritance. Affected: yes.
Comment: The observed splice region variant c.17+5del in EXOSC8 gene has not been reported previously as a pathogenic variant nor as a benign variant, to our knowledge. The c.17+5del variant is absent in gnomAD Exomes database. This variant has not been submitted to the ClinVar database. SpliceAI predicts a donor loss of 0.93 for this variant. Additional studies will be required to prove the pathogenicity of this variant. For these reasons, this variant has been classified as a Variant of Uncertain Significance (VUS).

NM_181503.3(EXOSC8):c.17+5del

Genes: EXOSC8 (exosome component 8; plus strand), LOC130009581 (ATAC-STARR-seq lymphoblastoid active region 7593; plus strand). Cytogenetic location: 13q13.3.
Variant type: Deletion.
Coding change: c.17+5del on transcript NM_181503.3 (MANE Select); 5 bases into the intron after coding-DNA position 17, one base deleted (G; older notation c.17+5delG).
Molecular consequence: intron variant.
Genome position (GRCh38, 1-based): chr13:37,000,827, G deleted. VCF-style (leftmost placement, unchanged base first): chr13-37000826-AG-A. GRCh37 (hg19) VCF-style: chr13-37574963-AG-A.
Identifiers: ClinVar variation 3242109 (VCV003242109.1), dbSNP rs2501590514.